The following is an entry in ClinVar:

NM_004006.3(DMD):c.4072-246A>G

Gene: DMD (dystrophin; minus strand). Cytogenetic location: Xp21.1.
Variant type: single nucleotide variant.
Coding change: c.4072-246A>G on transcript NM_004006.3 (MANE Select); 246 bases into the intron before coding-DNA position 4072, A replaced by G.
Molecular consequence: intron variant. On other transcripts: 5 prime UTR variant (1).
Genome position (GRCh38, 1-based): chrX:32,412,159, T>C on the plus strand (A>G on the coding strand, the complement: DMD is on the minus strand). VCF-style: chrX-32412159-T-C. GRCh37 (hg19) VCF-style: chrX-32430276-T-C.
Other names: c.-102A>G (NM_004012.4); c.4048-246A>G (NM_000109.4); c.48+3A>G (NM_004011.4); c.4060-246A>G (NM_004009.3); c.3703-246A>G (NM_004010.3).
Identifiers: ClinVar variation 4996350 (VCV004996350.1).
Genomic context (GRCh38, chrX:32,412,159, plus strand): 5'-AATAGCAAACAAAACTATAGGATCAGGGATCTCTGCATGAAAATCAATCACAATATCACG[T>C]ACATTAAGGAAATAGGCTGGAAAAAAAATTAGCAAAATCATCTCAGTCATTGCAATCTGT-3'

ClinVar aggregate classification (germline): Uncertain significance (1 of 4 stars; one submission).

Conditions:
DMD-related disorder. Also called: DMD-related condition.

gnomAD v4.1: 2 of 1,126,810 alleles (0.00018%); highest among the groups gnomAD compares: Non-Finnish European, 0.00024%; no homozygotes.

Submission:

PreventionGenetics, part of Exact Sciences
Classification: Uncertain significance for DMD-related condition. Last evaluated: 2026-06-10. Review status: criteria provided, single submitter. Criteria: ACMG Guidelines, 2015. Collection method: clinical testing. Allele origin: germline.
Comment: The DMD c.48+3A>G variant is predicted to interfere with splicing. This variant can also be classified as a deep intronic variant accordingly to the MANE transcript NM_004006:c.4072-246A>G. To our knowledge, this variant has not been reported in the literature or in a large population database (gnomAD), indicating this variant is rare. At this time, the clinical significance of this variant is uncertain due to the absence of conclusive functional and genetic evidence.